The following is an entry in ClinVar:

ClinVar aggregate classification (germline): Likely benign (1 of 4 stars; one submission).

Allele frequency attached by ClinVar (database versions not stated): gnomAD 0.00001; TOPMed 0.00001.
gnomAD v4.1: 21 of 1,509,684 alleles (0.0014%); highest among the groups gnomAD compares: South Asian, 0.0038%; no homozygotes.

Submission:

CeGaT Center for Human Genetics Tuebingen
Classification: Likely benign. Last evaluated: 2022-07-01. Review status: criteria provided, single submitter. Criteria: CeGaT Center For Human Genetics Tuebingen Variant Classification Criteria Version 2. Collection method: clinical testing. Allele origin: germline. Affected: yes. Observed: 1 variant allele.
Comment: ZFHX2: BP4, BP7

NM_033400.3(ZFHX2):c.1104C>T (p.Gly368=)

Genes: THTPA (thiamine triphosphatase; plus strand), ZFHX2 (zinc finger homeobox 2; minus strand). Cytogenetic location: 14q11.2.
Variant type: single nucleotide variant.
Coding change: c.1104C>T on transcript NM_033400.3 (MANE Select); coding-DNA position 1104, C replaced by T.
Protein change: p.Gly368=; no amino-acid change (glycine 368 retained).
Molecular consequence: synonymous variant.
Genome position (GRCh38, 1-based): chr14:23,534,222, G>A on the plus strand (C>T on the coding strand, the complement: ZFHX2 is on the minus strand). VCF-style: chr14-23534222-G-A. GRCh37 (hg19) VCF-style: chr14-24003431-G-A.
Identifiers: ClinVar variation 2644123 (VCV002644123.24), dbSNP rs1299409167, ClinGen allele CA485771815.